The following is an entry in ClinVar:

ClinVar aggregate classification (germline): Uncertain significance. Review status: criteria provided, multiple submitters, no conflicts (2 of 4 stars). 2 submissions from 2 submitters: Uncertain significance (2). Last evaluated 2025-08-04.

Conditions:
Inborn genetic diseases. Identifiers: MedGen C0950123, MeSH D030342.

Allele frequency attached by ClinVar (database versions not stated): TOPMed 0.00002; ExAC 0.00003; gnomAD exomes 0.00002; gnomAD 0.00001.
gnomAD v4.1: 29 of 1,611,692 alleles (0.0018%); highest among the groups gnomAD compares: South Asian, 0.013%; 1 homozygote.

Submissions (2):

Labcorp Genetics (formerly Invitae), Labcorp
Classification: Uncertain significance. Last evaluated: 2025-08-04. Review status: criteria provided, single submitter. Criteria: Invitae Variant Classification Sherloc (09022015). Collection method: clinical testing. Allele origin: germline.
Comment: This sequence change replaces arginine, which is basic and polar, with histidine, which is basic and polar, at codon 1440 of the MYH14 protein (p.Arg1440His). This variant is present in population databases (rs757839485, gnomAD 0.009%). This variant has not been reported in the literature in individuals affected with MYH14-related conditions. ClinVar contains an entry for this variant (Variation ID: 3001954). Invitae Evidence Modeling of protein sequence and biophysical properties (such as structural, functional, and spatial information, amino acid conservation, physicochemical variation, residue mobility, and thermodynamic stability) indicates that this missense variant is not expected to disrupt MYH14 protein function with a negative predictive value of 80%. In summary, the available evidence is currently insufficient to determine the role of this variant in disease. Therefore, it has been classified as a Variant of Uncertain Significance.

Ambry Genetics
Classification: Uncertain significance for Inborn genetic diseases. Last evaluated: 2024-12-07. Review status: criteria provided, single submitter. Criteria: Ambry Variant Classification Scheme 2023. Collection method: clinical testing. Allele origin: germline.

NM_001145809.2(MYH14):c.4442G>A (p.Arg1481His)

Gene: MYH14 (myosin heavy chain 14; plus strand). Cytogenetic location: 19q13.33.
Variant type: single nucleotide variant.
Coding change: c.4442G>A on transcript NM_001145809.2 (MANE Select); coding-DNA position 4442, G replaced by A.
Protein change: p.Arg1481His; replaces arginine 1481 with histidine.
Molecular consequence: missense variant.
Genome position (GRCh38, 1-based): chr19:50,281,745, G>A. VCF-style: chr19-50281745-G-A. GRCh37 (hg19) VCF-style: chr19-50785002-G-A.
Other names: c.4319G>A (NM_024729.3); c.4343G>A, p.Arg1448His (NM_001077186.2); c.4319G>A, p.Arg1440His (NM_024729.4); short protein forms R1440H, R1448H, R1481H.
Identifiers: ClinVar variation 3001954 (VCV003001954.4), dbSNP rs757839485, ClinGen allele CA9593509.